The following is an entry in ClinVar:

ClinVar aggregate classification (germline): Pathogenic (1 of 4 stars; one submission).

Conditions:
Nemaline myopathy 2 (NEM2). Also called: Nemaline myopathy 2, autosomal recessive. Identifiers: MedGen C1850569, MONDO:0009725, OMIM 256030.

Submission:

Myriad Genetics, Inc.
Classification: Pathogenic for Nemaline myopathy 2. Last evaluated: 2026-05-06. Review status: criteria provided, single submitter. Criteria: Myriad Autosomal Dominant, Autosomal Recessive and X-Linked Classification Criteria (2023). Collection method: clinical testing. Allele origin: unknown.
Comment: NM_001271208.1(NEB):c.2651_2652delAA(K884Rfs*3) is expected to be pathogenic in the context of NEB-related nemaline myopathy. This variant is predicted to lead to an abnormal or absent protein product due to the creation of a premature termination codon in NEB, a gene where loss-of-function variants are known to be pathogenic. Please note: this variant was assessed in the context of healthy population screening.

NM_001164508.2(NEB):c.2651_2652del (p.Lys884fs)

Gene: NEB (nebulin; minus strand). Cytogenetic location: 2q23.3.
Variant type: Deletion.
Coding change: c.2651_2652del on transcript NM_001164508.2 (MANE Select); coding-DNA positions 2651 to 2652, 2 bases deleted (AA; older notation c.2651_2652delAA).
Protein change: p.Lys884fs; shifts the reading frame from lysine 884.
Molecular consequence: frameshift variant.
Genome position (GRCh38, 1-based): chr2:151,684,961-151,684,962, TT deleted on the plus strand (AA on the coding strand, the reverse complement: NEB is on the minus strand); deleting any 2 consecutive bases within chr2:151,684,961-151,684,964 gives the same sequence; the c. name uses the placement nearest the transcript's 3' end. VCF-style (leftmost placement, unchanged base first): chr2-151684960-CTT-C. GRCh37 (hg19) VCF-style: chr2-152541474-CTT-C.
Other names: c.2651_2652del, p.Lys884fs (NM_001271208.2, NM_004543.5, NM_001164507.2); short protein forms K884fs.
Identifiers: ClinVar variation 5015888 (VCV005015888.1).